The following is an entry in ClinVar:

NM_004628.5(XPC):c.1681dup (p.Tyr561fs)

Gene: XPC (XPC complex subunit, DNA damage recognition and repair factor; minus strand). Cytogenetic location: 3p25.1.
Variant type: Duplication.
Coding change: c.1681dup on transcript NM_004628.5 (MANE Select); coding-DNA position 1681, one base duplicated (T; older notation c.1681dupT).
Protein change: p.Tyr561fs; shifts the reading frame from tyrosine 561.
Molecular consequence: frameshift variant. On other transcripts: non-coding transcript variant (2), intron variant (1).
Genome position (GRCh38, 1-based): chr3:14,158,202, A duplicated on the plus strand (T on the coding strand, the reverse complement: XPC is on the minus strand). VCF-style (leftmost placement, unchanged base first): chr3-14158201-T-TA. GRCh37 (hg19) VCF-style: chr3-14199701-T-TA.
Other names: c.1102dup, p.Tyr368fs (NM_001354726.2); c.1681dup, p.Tyr561fs (NM_001354727.2); c.1663dup, p.Tyr555fs (NM_001354729.2); c.1626+55dup (NM_001354730.2); short protein forms Y561fs, Y368fs, Y555fs.
Identifiers: ClinVar variation 1413330 (VCV001413330.6), dbSNP rs2125024977, ClinGen allele CA2573136057.
Genomic context (GRCh38, chr3:14,158,201, plus strand): 5'-ACATCTCGGACCCAGCCGTCACTGTCAATGCCCACCACATAGGTCATGGGCTTGGTGGCG[T>TA]ACTTGTAACAGGTCAGAGGCTGGCCCACCACACCGTGCACACAGTCTACACATACCCACT-3'

ClinVar aggregate classification (germline): Pathogenic (1 of 4 stars; one submission).

Submission:

Labcorp Genetics (formerly Invitae), Labcorp
Classification: Pathogenic. Last evaluated: 2021-10-18. Review status: criteria provided, single submitter. Criteria: Invitae Variant Classification Sherloc (09022015). Collection method: clinical testing. Allele origin: germline.
Comment: For these reasons, this variant has been classified as Pathogenic. This variant has not been reported in the literature in individuals affected with XPC-related conditions. This variant is not present in population databases (ExAC no frequency). This sequence change creates a premature translational stop signal (p.Tyr561Leufs*13) in the XPC gene. It is expected to result in an absent or disrupted protein product. Loss-of-function variants in XPC are known to be pathogenic (PMID: 23173980, 25256075).

Literature cited by the submitters: PubMed 23173980; PubMed 25256075.